The following is an entry in ClinVar:

ClinVar aggregate classification (germline): Conflicting classifications of pathogenicity. Review status: criteria provided, conflicting classifications (1 of 4 stars). 2 submissions from 2 submitters: Uncertain significance (1); Likely benign (1). Last evaluated 2025-07-23.

Conditions:
Autoinflammation, panniculitis, and dermatosis syndrome, autosomal recessive (AIPDSB). Also called: OTULIN-RELATED AUTOINFLAMMATORY SYNDROME; OTULIPENIA. Identifiers: Orphanet 500062, MedGen C4310614, MONDO:0014912, OMIM 617099.

Allele frequency attached by ClinVar (database versions not stated): 1000 Genomes Project 30x 0.00031.
gnomAD v4.1: 133 of 1,608,198 alleles (0.0083%); highest among the groups gnomAD compares: South Asian, 0.14%; 3 homozygotes.

Submissions (2):

Labcorp Genetics (formerly Invitae), Labcorp
Classification: Likely benign. Last evaluated: 2025-07-23. Review status: criteria provided, single submitter. Criteria: Invitae Variant Classification Sherloc (09022015). Collection method: clinical testing. Allele origin: germline.

Center for Genomics, Ann and Robert H. Lurie Children's Hospital of Chicago
Classification: Uncertain significance for Autoinflammation, panniculitis, and dermatosis syndrome, autosomal recessive. Last evaluated: 2022-02-01. Review status: criteria provided, single submitter. Criteria: ACMG Guidelines, 2015. Collection method: clinical testing. Allele origin: germline.
Comment: OTULIN NM_138348.4 intron 4 c.469-10G>C: This variant has not been reported in the literature but is present in 0.1% (54/29072) of South Asian alleles in the Genome Aggregation Database. This variant is present in ClinVar (Variation ID:722906). Evolutionary conservation and computational predictive tools for this variant are limited or unavailable. This variant is an intronic variant with no predicted change in the amino acid sequence but may have an unknown effect on splicing. Splice prediction tools do not suggest that this variant may affect splicing. However, further studies are needed to understand its impact. In summary, data on this variant is insufficient for disease classification. Therefore, the clinical significance of this variant is uncertain.

NM_138348.6(OTULIN):c.469-10G>C

Gene: OTULIN (OTU deubiquitinase with linear linkage specificity; plus strand). Cytogenetic location: 5p15.2.
Variant type: single nucleotide variant.
Coding change: c.469-10G>C on transcript NM_138348.6 (MANE Select); 10 bases into the intron before coding-DNA position 469, G replaced by C.
Molecular consequence: intron variant.
Genome position (GRCh38, 1-based): chr5:14,687,511, G>C. VCF-style: chr5-14687511-G-C. GRCh37 (hg19) VCF-style: chr5-14687620-G-C.
Identifiers: ClinVar variation 1602085 (VCV001602085.8), dbSNP rs189738566, ClinGen allele CA3208626.